The following is an entry in ClinVar:

NM_020928.2(ZSWIM6):c.949G>A (p.Val317Met)

Gene: ZSWIM6 (zinc finger SWIM-type containing 6; plus strand). Cytogenetic location: 5q12.1.
Variant type: single nucleotide variant.
Coding change: c.949G>A on transcript NM_020928.2 (MANE Select); coding-DNA position 949, G replaced by A.
Protein change: p.Val317Met; replaces valine 317 with methionine.
Molecular consequence: missense variant.
Genome position (GRCh38, 1-based): chr5:61,472,953, G>A. VCF-style: chr5-61472953-G-A. GRCh37 (hg19) VCF-style: chr5-60768780-G-A.
Other names: short protein forms V317M.
Identifiers: ClinVar variation 2967799 (VCV002967799.3), dbSNP rs2479005568, ClinGen allele CA359941855.

ClinVar aggregate classification (germline): Uncertain significance (1 of 4 stars; one submission).

Allele frequency attached by ClinVar (database versions not stated): gnomAD exomes below 0.00001.
gnomAD v4.1: 1 of 1,550,528 alleles (0.000064%); highest among the groups gnomAD compares: Admixed American, 0.002%; no homozygotes.

Submission:

Labcorp Genetics (formerly Invitae), Labcorp
Classification: Uncertain significance. Last evaluated: 2023-12-18. Review status: criteria provided, single submitter. Criteria: Invitae Variant Classification Sherloc (09022015). Collection method: clinical testing. Allele origin: germline.
Comment: This sequence change replaces valine, which is neutral and non-polar, with methionine, which is neutral and non-polar, at codon 317 of the ZSWIM6 protein (p.Val317Met). This variant is not present in population databases (gnomAD no frequency). This variant has not been reported in the literature in individuals affected with ZSWIM6-related conditions. Advanced modeling of protein sequence and biophysical properties (such as structural, functional, and spatial information, amino acid conservation, physicochemical variation, residue mobility, and thermodynamic stability) performed at Invitae indicates that this missense variant is not expected to disrupt ZSWIM6 protein function with a negative predictive value of 80%. In summary, the available evidence is currently insufficient to determine the role of this variant in disease. Therefore, it has been classified as a Variant of Uncertain Significance.